The following is an entry in ClinVar:

NM_000222.3(KIT):c.896C>A (p.Ala299Glu)

Gene: KIT (KIT proto-oncogene, receptor tyrosine kinase; plus strand). Cytogenetic location: 4q12.
Variant type: single nucleotide variant.
Coding change: c.896C>A on transcript NM_000222.3 (MANE Select); coding-DNA position 896, C replaced by A.
Protein change: p.Ala299Glu; replaces alanine 299 with glutamic acid.
Molecular consequence: missense variant.
Genome position (GRCh38, 1-based): chr4:54,703,863, C>A. VCF-style: chr4-54703863-C-A. GRCh37 (hg19) VCF-style: chr4-55570029-C-A.
Other names: c.896C>A, p.Ala299Glu (NM_001093772.2, NM_001385285.1, NM_001385286.1); c.899C>A, p.Ala300Glu (NM_001385284.1, NM_001385288.1, NM_001385290.1 and 1 more transcripts); short protein forms A299E, A300E.
Identifiers: ClinVar variation 3534689 (VCV003534689.1).

ClinVar aggregate classification (germline): Uncertain significance (1 of 4 stars; one submission).

Conditions:
Hereditary cancer-predisposing syndrome. Also called: Hereditary Cancer Syndrome; Hereditary neoplastic syndrome; Tumor predisposition; Neoplastic Syndromes, Hereditary. Identifiers: Orphanet 140162, MedGen C0027672, MeSH D009386, MONDO:0015356.

Submission:

Ambry Genetics
Classification: Uncertain significance for Hereditary cancer-predisposing syndrome. Last evaluated: 2024-10-29. Review status: criteria provided, single submitter. Criteria: Ambry Variant Classification Scheme 2023. Collection method: clinical testing. Allele origin: germline.
Comment: The p.A299E variant (also known as c.896C>A), located in coding exon 5 of the KIT gene, results from a C to A substitution at nucleotide position 896. The alanine at codon 299 is replaced by glutamic acid, an amino acid with dissimilar properties. This amino acid position is conserved. In addition, the in silico prediction for this alteration is inconclusive. Based on the available evidence, the clinical significance of this variant remains unclear.